The following is an entry in ClinVar:

ClinVar aggregate classification (germline): Uncertain significance (1 of 4 stars; one submission).

Allele frequency attached by ClinVar (database versions not stated): TOPMed below 0.00001; gnomAD 0.00001.
gnomAD v4.1: 1 of 1,598,030 alleles (0.000063%); highest among the groups gnomAD compares: Non-Finnish European, 0.000085%; no homozygotes.

Submission:

GeneDx
Classification: Uncertain significance. Last evaluated: 2025-12-03. Review status: criteria provided, single submitter. Criteria: GeneDx Variant Classification Process June 2021. Collection method: clinical testing. Allele origin: germline. Affected: yes.
Comment: Not observed at significant frequency in large population cohorts (gnomAD); In silico analysis supports that this missense variant has a deleterious effect on protein structure/function; Has not been previously published as pathogenic or benign to our knowledge

NM_001042681.2(RERE):c.4010T>G (p.Leu1337Arg)

Gene: RERE (arginine-glutamic acid dipeptide repeats; minus strand). Cytogenetic location: 1p36.23.
Variant type: single nucleotide variant.
Coding change: c.4010T>G on transcript NM_001042681.2 (MANE Select); coding-DNA position 4010, T replaced by G.
Protein change: p.Leu1337Arg; replaces leucine 1337 with arginine.
Molecular consequence: missense variant.
Genome position (GRCh38, 1-based): chr1:8,358,525, A>C on the plus strand (T>G on the coding strand, the complement: RERE is on the minus strand). VCF-style: chr1-8358525-A-C. GRCh37 (hg19) VCF-style: chr1-8418585-A-C.
Other names: c.2348T>G, p.Leu783Arg (NM_001042682.2); c.4010T>G, p.Leu1337Arg (NM_012102.4); short protein forms L1337R, L783R.
Identifiers: ClinVar variation 1211869 (VCV001211869.5), dbSNP rs1241389381, ClinGen allele CA338169387.